The following is an entry in ClinVar:

ClinVar aggregate classification (germline): Pathogenic. Review status: criteria provided, multiple submitters, no conflicts (2 of 4 stars). 2 submissions from 2 submitters: Pathogenic (2). Last evaluated 2021-07-13.

Conditions:
RASopathy. Also called: rasopathies; Noonan spectrum disorder. Identifiers: Orphanet 536391, MedGen C5555857, MONDO:0021060.

Submissions (2):

Labcorp Genetics (formerly Invitae), Labcorp
Classification: Pathogenic for RASopathy. Last evaluated: 2021-07-13. Review status: criteria provided, single submitter. Criteria: Invitae Variant Classification Sherloc (09022015). Collection method: clinical testing. Allele origin: germline.

GeneDx
Classification: Pathogenic. Last evaluated: 2013-12-05. Review status: criteria provided, single submitter. Criteria: GeneDx Variant Classification (06012015). Collection method: clinical testing. Allele origin: germline. Affected: yes.
Comment: p.Phe595Leu (TTT>TTA): c.1785 T>A in exon 15 of the BRAF gene (NM_004333.4). The F595L missense mutation resulting from nucleotide substitutions c.1785 T>A and c.1785 T>G in the BRAF gene has been reported in association with cardio-facio-cutaneous syndrome (Schulz et al., 2008 and Rodriguez-Viciana et al., 2006). This amino acid substitution occurs at a highly conserved residue of the protein. Many other missense mutations (N580D, N581D, G596V, L597V, T599A) have been reported in surrounding residues. The F595L mutation was not observed in approximately 6,500 individuals of European and African American ancestry in the NHLBI Exome Sequencing Project, indicating it is not a common benign variant in these populations. The variant is found in NOONAN panel(s).

NM_004333.6(BRAF):c.1785T>A (p.Phe595Leu)

Gene: BRAF (B-Raf proto-oncogene, serine/threonine kinase; minus strand). Cytogenetic location: 7q34.
Variant type: single nucleotide variant.
Coding change: c.1785T>A on transcript NM_004333.6 (MANE Select); coding-DNA position 1785, T replaced by A.
Protein change: p.Phe595Leu; replaces phenylalanine 595 with leucine.
Molecular consequence: missense variant.
Genome position (GRCh38, 1-based): chr7:140,753,350, A>T on the plus strand (T>A on the coding strand, the complement: BRAF is on the minus strand). VCF-style: chr7-140753350-A-T. GRCh37 (hg19) VCF-style: chr7-140453150-A-T.
Other names: p.F595L:TTT>TTA; c.1785T>A, p.Phe595Leu (NM_001354609.2, NM_001378468.1, NM_001378474.1); c.1905T>A, p.Phe635Leu (NM_001374244.1, NM_001374258.1); c.1794T>A, p.Phe598Leu (NM_001378467.1); c.1719T>A, p.Phe573Leu (NM_001378469.1); c.1683T>A, p.Phe561Leu (NM_001378470.1); c.1674T>A, p.Phe558Leu (NM_001378471.1); c.1629T>A, p.Phe543Leu (NM_001378472.1, NM_001378473.1); and 1 more; short protein forms F595L, F507L, F543L, F558L, F561L, F573L, F598L, F635L.
Identifiers: ClinVar variation 180789 (VCV000180789.9), dbSNP rs121913341, ClinGen allele CA295915.